The following is an entry in ClinVar:

NM_000018.4(ACADVL):c.239G>A (p.Gly80Asp)

Gene: ACADVL (acyl-CoA dehydrogenase very long chain; plus strand). Cytogenetic location: 17p13.1.
Variant type: single nucleotide variant.
Coding change: c.239G>A on transcript NM_000018.4 (MANE Select); coding-DNA position 239, G replaced by A.
Protein change: p.Gly80Asp; replaces glycine 80 with aspartic acid.
Molecular consequence: missense variant.
Genome position (GRCh38, 1-based): chr17:7,220,638, G>A. VCF-style: chr17-7220638-G-A. GRCh37 (hg19) VCF-style: chr17-7123957-G-A.
Other names: c.173G>A, p.Gly58Asp (NM_001033859.3); c.308G>A, p.Gly103Asp (NM_001270447.2); c.11G>A, p.Gly4Asp (NM_001270448.2); short protein forms G103D, G4D, G58D, G80D.
Identifiers: ClinVar variation 1003247 (VCV001003247.8), dbSNP rs1460278489, ClinGen allele CA397722398.

ClinVar aggregate classification (germline): Likely pathogenic (1 of 4 stars; one submission).

Conditions:
Very long chain acyl-CoA dehydrogenase deficiency (ACADVLD). Also called: Very Long-Chain Acyl-Coenzyme A Dehydrogenase Deficiency; VLCAD Deficiency. Identifiers: Orphanet 26793, MedGen C3887523, MONDO:0008723, OMIM 201475.

Submission:

Labcorp Genetics (formerly Invitae), Labcorp
Classification: Likely pathogenic for Very long chain acyl-CoA dehydrogenase deficiency. Last evaluated: 2022-11-29. Review status: criteria provided, single submitter. Criteria: Invitae Variant Classification Sherloc (09022015). Collection method: clinical testing. Allele origin: germline.
Comment: In summary, the currently available evidence indicates that the variant is pathogenic, but additional data are needed to prove that conclusively. Therefore, this variant has been classified as Likely Pathogenic. Advanced modeling of protein sequence and biophysical properties (such as structural, functional, and spatial information, amino acid conservation, physicochemical variation, residue mobility, and thermodynamic stability) performed at Invitae indicates that this missense variant is expected to disrupt ACADVL protein function. ClinVar contains an entry for this variant (Variation ID: 1003247). This missense change has been observed in individual(s) with very long chain acyl-CoA dehydrogenase (VLCAD) deficiency (PMID: 30194637). This variant is not present in population databases (gnomAD no frequency). This sequence change replaces glycine, which is neutral and non-polar, with aspartic acid, which is acidic and polar, at codon 80 of the ACADVL protein (p.Gly80Asp).

Literature cited by the submitters: PubMed 30194637.